The following is an entry in ClinVar:

NM_001382430.1(AKT1):c.1394G>A (p.Arg465His)

Gene: AKT1 (AKT serine/threonine kinase 1; minus strand). Cytogenetic location: 14q32.33.
Variant type: single nucleotide variant.
Coding change: c.1394G>A on transcript NM_001382430.1 (MANE Select); coding-DNA position 1394, G replaced by A.
Protein change: p.Arg465His; replaces arginine 465 with histidine.
Molecular consequence: missense variant.
Genome position (GRCh38, 1-based): chr14:104,770,390, C>T on the plus strand (G>A on the coding strand, the complement: AKT1 is on the minus strand). VCF-style: chr14-104770390-C-T. GRCh37 (hg19) VCF-style: chr14-105236727-C-T.
Other names: c.1394G>A, p.Arg465His (NM_001014431.2, NM_001014432.2, NM_001382431.1 and 3 more transcripts); short protein forms R465H.
Identifiers: ClinVar variation 220815 (VCV000220815.36), dbSNP rs113547523, ClinGen allele CA349773.

ClinVar aggregate classification (germline): Conflicting classifications of pathogenicity. Review status: criteria provided, conflicting classifications (1 of 4 stars). 4 submissions from 4 submitters: Uncertain significance (3); Likely benign (1). Last evaluated 2026-03-01.

Conditions:
Colorectal cancer. Also called: Malignant Colorectal Neoplasm; Colorectal cancer, somatic. Identifiers: MedGen C0346629, MONDO:0005575, OMIM 114500.
Proteus syndrome. Also called: ELATTOPROTEUS SYNDROME; Macrocephaly mesodermal hamartoma spectrum; PROTEUS SYNDROME, SOMATIC; Hemihypertrophy and macrocephaly; Partial gigantism of hands and feet, nevi, hemihypertrophy, macrocephaly; GIGANTISM, PARTIAL, OF HANDS AND FEET, NEVI, HEMIHYPERTROPHY, AND MACROCEPHALY. Identifiers: Orphanet 744, MedGen C0085261, MONDO:0008318, OMIM 176920. Disease mechanism: gain of function, loss of function.
Cowden syndrome 6 (CWS6). Identifiers: Orphanet 201, MedGen C3554519, MONDO:0014048, OMIM 615109.
Ovarian cancer. Also called: OVARIAN CANCER, SOMATIC. Identifiers: Orphanet 213500, MedGen C1140680, MONDO:0008170, OMIM 167000.
Familial cancer of breast. Also called: Hereditary breast cancer; hereditary breast carcinoma; BREAST CANCER, FAMILIAL. Identifiers: Orphanet 227535, MedGen C0346153, MONDO:0016419, OMIM 114480. Disease mechanism: loss of function.

Allele frequency attached by ClinVar (database versions not stated): gnomAD 0.00005 and 0.00006; ExAC 0.00006; gnomAD exomes 0.00006; TOPMed 0.00006.

Submissions (4):

CeGaT Center for Human Genetics Tuebingen
Classification: Likely benign. Last evaluated: 2026-03-01. Review status: criteria provided, single submitter. Criteria: CeGaT Center For Human Genetics Tuebingen Variant Classification Criteria Version 2. Collection method: clinical testing. Allele origin: germline. Affected: yes. Observed: 2 variant alleles.
Comment: AKT1: BP4, BS1:Supporting

Labcorp Genetics (formerly Invitae), Labcorp
Classification: Uncertain significance for Cowden syndrome 6. Last evaluated: 2024-09-30. Review status: criteria provided, single submitter. Criteria: Invitae Variant Classification Sherloc (09022015). Collection method: clinical testing. Allele origin: germline.
Comment: This sequence change replaces arginine, which is basic and polar, with histidine, which is basic and polar, at codon 465 of the AKT1 protein (p.Arg465His). This variant is present in population databases (rs113547523, gnomAD 0.009%). This variant has not been reported in the literature in individuals affected with AKT1-related conditions. ClinVar contains an entry for this variant (Variation ID: 220815). An algorithm developed to predict the effect of missense changes on protein structure and function (PolyPhen-2) suggests that this variant is likely to be disruptive. In summary, the available evidence is currently insufficient to determine the role of this variant in disease. Therefore, it has been classified as a Variant of Uncertain Significance.

Fulgent Genetics
Classification: Uncertain significance for Familial cancer of breast; Colorectal cancer; Ovarian cancer; Proteus syndrome; Cowden syndrome 6. Last evaluated: 2024-03-17. Review status: criteria provided, single submitter. Criteria: ACMG Guidelines, 2015. Collection method: clinical testing. Allele origin: germline.

Institute for Clinical Genetics, University Hospital TU Dresden, University Hospital TU Dresden
Classification: Uncertain significance. Last evaluated: 2021-11-03. Review status: criteria provided, single submitter. Criteria: ACMG Guidelines, 2015. Collection method: clinical testing. Allele origin: germline.